The following is an entry in ClinVar:

ClinVar aggregate classification (germline): Uncertain significance (1 of 4 stars; one submission).

Submission:

Labcorp Genetics (formerly Invitae), Labcorp
Classification: Uncertain significance. Last evaluated: 2022-01-20. Review status: criteria provided, single submitter. Criteria: Invitae Variant Classification Sherloc (09022015). Collection method: clinical testing. Allele origin: germline.
Comment: This sequence change replaces phenylalanine, which is neutral and non-polar, with valine, which is neutral and non-polar, at codon 675 of the POLE protein (p.Phe675Val). This variant is not present in population databases (gnomAD no frequency). This variant has not been reported in the literature in individuals affected with POLE-related conditions. Algorithms developed to predict the effect of missense changes on protein structure and function (SIFT, PolyPhen-2, Align-GVGD) all suggest that this variant is likely to be tolerated. Algorithms developed to predict the effect of sequence changes on RNA splicing suggest that this variant may create or strengthen a splice site. In summary, the available evidence is currently insufficient to determine the role of this variant in disease. Therefore, it has been classified as a Variant of Uncertain Significance.

NM_006231.4(POLE):c.2023T>G (p.Phe675Val)

Gene: POLE (DNA polymerase epsilon, catalytic subunit; minus strand). Cytogenetic location: 12q24.33.
Variant type: single nucleotide variant.
Coding change: c.2023T>G on transcript NM_006231.4 (MANE Select); coding-DNA position 2023, T replaced by G.
Protein change: p.Phe675Val; replaces phenylalanine 675 with valine.
Molecular consequence: missense variant.
Genome position (GRCh38, 1-based): chr12:132,668,638, A>C on the plus strand (T>G on the coding strand, the complement: POLE is on the minus strand). VCF-style: chr12-132668638-A-C. GRCh37 (hg19) VCF-style: chr12-133245224-A-C.
Other names: short protein forms F675V.
Identifiers: ClinVar variation 2088426 (VCV002088426.4), dbSNP rs2542101300, ClinGen allele CA387354640.